The following is an entry in ClinVar:

NM_001734.5(C1S):c.1675C>A (p.Leu559Ile)

Gene: C1S (complement C1s; plus strand). Cytogenetic location: 12p13.31.
Variant type: single nucleotide variant.
Coding change: c.1675C>A on transcript NM_001734.5 (MANE Select); coding-DNA position 1675, C replaced by A.
Protein change: p.Leu559Ile; replaces leucine 559 with isoleucine.
Molecular consequence: missense variant.
Genome position (GRCh38, 1-based): chr12:7,070,259, C>A. VCF-style: chr12-7070259-C-A. GRCh37 (hg19) VCF-style: chr12-7177563-C-A.
Other names: c.1174C>A, p.Leu392Ile (NM_001346850.2); c.1675C>A, p.Leu559Ile (NM_201442.4); short protein forms L559I, L392I.
Identifiers: ClinVar variation 2092155 (VCV002092155.4), dbSNP rs1555163012, ClinGen allele CA383706001.

ClinVar aggregate classification (germline): Uncertain significance (1 of 4 stars; one submission).

Allele frequency attached by ClinVar (database versions not stated): gnomAD exomes below 0.00001; TOPMed below 0.00001.
gnomAD v4.1: 1 of 1,614,208 alleles (0.000062%); highest among the groups gnomAD compares: East Asian, 0.0022%; no homozygotes.

Submission:

Labcorp Genetics (formerly Invitae), Labcorp
Classification: Uncertain significance. Last evaluated: 2024-07-20. Review status: criteria provided, single submitter. Criteria: Invitae Variant Classification Sherloc (09022015). Collection method: clinical testing. Allele origin: germline.
Comment: This sequence change replaces leucine, which is neutral and non-polar, with isoleucine, which is neutral and non-polar, at codon 559 of the C1S protein (p.Leu559Ile). This variant is not present in population databases (gnomAD no frequency). This variant has not been reported in the literature in individuals affected with C1S-related conditions. ClinVar contains an entry for this variant (Variation ID: 2092155). Advanced modeling of protein sequence and biophysical properties (such as structural, functional, and spatial information, amino acid conservation, physicochemical variation, residue mobility, and thermodynamic stability) performed at Invitae indicates that this missense variant is not expected to disrupt C1S protein function with a negative predictive value of 80%. In summary, the available evidence is currently insufficient to determine the role of this variant in disease. Therefore, it has been classified as a Variant of Uncertain Significance.